The following is an entry in ClinVar:

ClinVar aggregate classification (germline): Uncertain significance. Review status: criteria provided, multiple submitters, no conflicts (2 of 4 stars). 2 submissions from 2 submitters: Uncertain significance (2). Last evaluated 2025-03-14.

Conditions:
Cystic fibrosis (CF). Also called: MUCOVISCIDOSIS. Identifiers: Orphanet 586, MedGen C0010674, MONDO:0009061, OMIM 219700. Disease mechanism: loss of function.

Submissions (2):

Ambry Genetics
Classification: Uncertain significance for Cystic fibrosis. Last evaluated: 2025-03-14. Review status: criteria provided, single submitter. Criteria: Ambry Variant Classification Scheme 2023. Collection method: clinical testing. Allele origin: germline.
Comment: The p.K615R variant (also known as c.1844A>G), located in coding exon 14 of the CFTR gene, results from an A to G substitution at nucleotide position 1844. The lysine at codon 615 is replaced by arginine, an amino acid with highly similar properties. This amino acid position is conserved. In addition, the in silico prediction for this alteration is inconclusive. Since supporting evidence is limited at this time, the clinical significance of this alteration remains unclear.

Labcorp Genetics (formerly Invitae), Labcorp
Classification: Uncertain significance for Cystic fibrosis. Last evaluated: 2024-06-13. Review status: criteria provided, single submitter. Criteria: Invitae Variant Classification Sherloc (09022015). Collection method: clinical testing. Allele origin: germline.
Comment: This sequence change replaces lysine, which is basic and polar, with arginine, which is basic and polar, at codon 615 of the CFTR protein (p.Lys615Arg). This variant is not present in population databases (gnomAD no frequency). This variant has not been reported in the literature in individuals affected with CFTR-related conditions. ClinVar contains an entry for this variant (Variation ID: 1781208). Advanced modeling of protein sequence and biophysical properties (such as structural, functional, and spatial information, amino acid conservation, physicochemical variation, residue mobility, and thermodynamic stability) performed at Invitae indicates that this missense variant is not expected to disrupt CFTR protein function with a negative predictive value of 80%. In summary, the available evidence is currently insufficient to determine the role of this variant in disease. Therefore, it has been classified as a Variant of Uncertain Significance.

NM_000492.4(CFTR):c.1844A>G (p.Lys615Arg)

Gene: CFTR (CF transmembrane conductance regulator; plus strand). Cytogenetic location: 7q31.2.
Variant type: single nucleotide variant.
Coding change: c.1844A>G on transcript NM_000492.4 (MANE Select); coding-DNA position 1844, A replaced by G.
Protein change: p.Lys615Arg; replaces lysine 615 with arginine.
Molecular consequence: missense variant.
Genome position (GRCh38, 1-based): chr7:117,592,011, A>G. VCF-style: chr7-117592011-A-G. GRCh37 (hg19) VCF-style: chr7-117232065-A-G.
Other names: short protein forms K615R.
Identifiers: ClinVar variation 1781208 (VCV001781208.4), dbSNP rs2485109175, ClinGen allele CA368978363.